The following is an entry in ClinVar:

ClinVar aggregate classification (germline): Likely pathogenic. Review status: criteria provided, multiple submitters, no conflicts (2 of 4 stars). 2 submissions from 2 submitters: Likely pathogenic (2). Last evaluated 2025-04-28.

Conditions:
Retinal dystrophy. Also called: Inherited retinal dystrophy. Identifiers: Orphanet 71862, MedGen C0854723, MeSH D058499, MONDO:0019118, HP:0000556.

Allele frequency attached by ClinVar (database versions not stated): TOPMed below 0.00001; gnomAD 0.00001.
gnomAD v4.1: 3 of 1,613,874 alleles (0.00019%); highest among the groups gnomAD compares: Non-Finnish European, 0.00025%; no homozygotes.

Submissions (2):

Labcorp Genetics (formerly Invitae), Labcorp
Classification: Likely pathogenic. Last evaluated: 2025-04-28. Review status: criteria provided, single submitter. Criteria: Invitae Variant Classification Sherloc (09022015). Collection method: clinical testing. Allele origin: germline.
Comment: This sequence change falls in intron 42 of the ABCA4 gene. It does not directly change the encoded amino acid sequence of the ABCA4 protein. It affects a nucleotide within the consensus splice site. This variant is not present in population databases (gnomAD no frequency). This variant has been observed in individual(s) with Stargardt disease (PMID: 32307445, 35120629). ClinVar contains an entry for this variant (Variation ID: 2098053). Variants that disrupt the consensus splice site are a relatively common cause of aberrant splicing (PMID: 17576681, 9536098). Algorithms developed to predict the effect of sequence changes on RNA splicing suggest that this variant may disrupt the consensus splice site. In summary, the currently available evidence indicates that the variant is pathogenic, but additional data are needed to prove that conclusively. Therefore, this variant has been classified as Likely Pathogenic.

Institute of Human Genetics, Univ. Regensburg, Univ. Regensburg
Classification: Likely pathogenic for Retinal dystrophy. Last evaluated: 2014-01-01. Review status: criteria provided, single submitter. Criteria: ACMG Guidelines, 2015. Collection method: clinical testing. Allele origin: germline. Affected: yes.

Literature cited by the submitters: PubMed 32307445 (cited by Labcorp Genetics (formerly Invitae), Labcorp and Institute of Human Genetics, Univ. Regensburg, Univ. Regensburg); PubMed 35120629 (cited by Labcorp Genetics (formerly Invitae), Labcorp); PubMed 17576681 (cited by Labcorp Genetics (formerly Invitae), Labcorp); PubMed 9536098 (cited by Labcorp Genetics (formerly Invitae), Labcorp).

NM_000350.3(ABCA4):c.5898+5G>A

Gene: ABCA4 (ATP binding cassette subfamily A member 4; minus strand). Cytogenetic location: 1p22.1.
Variant type: single nucleotide variant.
Coding change: c.5898+5G>A on transcript NM_000350.3 (MANE Select); 5 bases into the intron after coding-DNA position 5898, G replaced by A.
Molecular consequence: intron variant.
Genome position (GRCh38, 1-based): chr1:94,008,230, C>T on the plus strand (G>A on the coding strand, the complement: ABCA4 is on the minus strand). VCF-style: chr1-94008230-C-T. GRCh37 (hg19) VCF-style: chr1-94473786-C-T.
Identifiers: ClinVar variation 2098053 (VCV002098053.5), dbSNP rs779868828, ClinGen allele CA740505599.